The following is an entry in ClinVar:

NM_001256545.2(MEGF10):c.1622G>T (p.Arg541Leu)

Gene: MEGF10 (multiple EGF like domains 10; plus strand). Cytogenetic location: 5q23.2.
Variant type: single nucleotide variant.
Coding change: c.1622G>T on transcript NM_001256545.2 (MANE Select); coding-DNA position 1622, G replaced by T.
Protein change: p.Arg541Leu; replaces arginine 541 with leucine.
Molecular consequence: missense variant.
Genome position (GRCh38, 1-based): chr5:127,422,701, G>T. VCF-style: chr5-127422701-G-T. GRCh37 (hg19) VCF-style: chr5-126758393-G-T.
Other names: c.1622G>T, p.Arg541Leu (NM_001308119.2, NM_001308121.2, NM_032446.3); short protein forms R541L.
Identifiers: ClinVar variation 662191 (VCV000662191.11), dbSNP rs142664089, ClinGen allele CA3391651.

ClinVar aggregate classification (germline): Uncertain significance. Review status: criteria provided, multiple submitters, no conflicts (2 of 4 stars). 4 submissions from 4 submitters: Uncertain significance (4). Last evaluated 2025-05-03.

Conditions:
Inborn genetic diseases. Identifiers: MedGen C0950123, MeSH D030342.
MEGF10-related myopathy (CMYO10A). Also called: Congenital myopathy 10A, severe variant. Identifiers: Orphanet 439212, MedGen C3280679, MONDO:0013731, OMIM 614399.

Allele frequency attached by ClinVar (database versions not stated): TOPMed 0.00025; gnomAD 0.00035; ESP Exome Variant Server 0.00054.
gnomAD v4.1: 93 of 1,613,888 alleles (0.0058%); highest among the groups gnomAD compares: African/African-American, 0.068%; no homozygotes.

Submissions (4):

Ambry Genetics
Classification: Uncertain significance for Inborn genetic diseases. Last evaluated: 2025-05-03. Review status: criteria provided, single submitter. Criteria: Ambry Variant Classification Scheme 2023. Collection method: clinical testing. Allele origin: germline.

Revvity Omics, Revvity
Classification: Uncertain significance. Last evaluated: 2023-10-10. Review status: criteria provided, single submitter. Criteria: ACMG Guidelines, 2015. Collection method: clinical testing. Allele origin: germline.

Labcorp Genetics (formerly Invitae), Labcorp
Classification: Uncertain significance for MEGF10-related myopathy. Last evaluated: 2022-10-13. Review status: criteria provided, single submitter. Criteria: Invitae Variant Classification Sherloc (09022015). Collection method: clinical testing. Allele origin: germline.
Comment: This sequence change replaces arginine, which is basic and polar, with leucine, which is neutral and non-polar, at codon 541 of the MEGF10 protein (p.Arg541Leu). This variant is present in population databases (rs142664089, gnomAD 0.08%). This variant has not been reported in the literature in individuals affected with MEGF10-related conditions. ClinVar contains an entry for this variant (Variation ID: 662191). Advanced modeling of protein sequence and biophysical properties (such as structural, functional, and spatial information, amino acid conservation, physicochemical variation, residue mobility, and thermodynamic stability) performed at Invitae indicates that this missense variant is not expected to disrupt MEGF10 protein function. In summary, the available evidence is currently insufficient to determine the role of this variant in disease. Therefore, it has been classified as a Variant of Uncertain Significance.

GeneDx
Classification: Uncertain significance. Last evaluated: 2022-03-15. Review status: criteria provided, single submitter. Criteria: GeneDx Variant Classification Process June 2021. Collection method: clinical testing. Allele origin: germline. Affected: yes.
Comment: In silico analysis supports that this missense variant has a deleterious effect on protein structure/function; Has not been previously published as pathogenic or benign to our knowledge